The following is an entry in ClinVar:

NM_000321.3(RB1):c.2151A>G (p.Ile717Met)

Gene: RB1 (RB transcriptional corepressor 1; plus strand). Cytogenetic location: 13q14.2.
Variant type: single nucleotide variant.
Coding change: c.2151A>G on transcript NM_000321.3 (MANE Select); coding-DNA position 2151, A replaced by G.
Protein change: p.Ile717Met; replaces isoleucine 717 with methionine.
Molecular consequence: missense variant.
Genome position (GRCh38, 1-based): chr13:48,463,775, A>G. VCF-style: chr13-48463775-A-G. GRCh37 (hg19) VCF-style: chr13-49037911-A-G.
Other names: short protein forms I717M.
Identifiers: ClinVar variation 458140 (VCV000458140.8), dbSNP rs1555294518, ClinGen allele CA388167105.

ClinVar aggregate classification (germline): Uncertain significance (1 of 4 stars; one submission).

Conditions:
Retinoblastoma (RB1). Also called: RETINOBLASTOMA, SOMATIC. Identifiers: Orphanet 790, MedGen C0035335, MeSH D012175, MONDO:0008380, OMIM 180200, HP:0009919. Disease mechanism: loss of function. Inheritance: Both sporadic and heritable forms are tested..

Allele frequency attached by ClinVar (database versions not stated): gnomAD exomes below 0.00001.
gnomAD v4.1: 1 of 1,604,478 alleles (0.000062%); highest among the groups gnomAD compares: Non-Finnish European, 0.000085%; no homozygotes.

Submission:

Labcorp Genetics (formerly Invitae), Labcorp
Classification: Uncertain significance for Retinoblastoma. Last evaluated: 2017-07-23. Review status: criteria provided, single submitter. Criteria: Invitae Variant Classification Sherloc (09022015). Collection method: clinical testing. Allele origin: germline.
Comment: This sequence change replaces isoleucine with methionine at codon 717 of the RB1 protein (p.Ile717Met). The isoleucine residue is moderately conserved and there is a small physicochemical difference between isoleucine and methionine. This variant is not present in population databases (ExAC no frequency). This variant has not been reported in the literature in individuals with RB1-related disease. Algorithms developed to predict the effect of missense changes on protein structure and function do not agree on the potential impact of this missense change (SIFT: "Deleterious"; PolyPhen-2: "Probably Damaging"; Align-GVGD: "Class C0"). In summary, the available evidence is currently insufficient to determine the role of this variant in disease. Therefore, it has been classified as a Variant of Uncertain Significance.